The following is an entry in ClinVar:

NM_001927.4(DES):c.586GAG[1] (p.Glu197del)

Gene: DES (desmin; plus strand). Cytogenetic location: 2q35.
Variant type: Microsatellite.
Coding change: c.586GAG[1] on transcript NM_001927.4 (MANE Select); one copy of the 3-base unit GAG starting at c.586; the reference has two copies in a row; one copy, 3 bases deleted.
Protein change: p.Glu197del; deletes glutamic acid 197.
Molecular consequence: inframe deletion. On other transcripts: intron variant (1).
Genome position (GRCh38, 1-based): chr2:219,420,105-219,420,107, GAG deleted; deleting any 3 consecutive bases within chr2:219,420,100-219,420,107 gives the same sequence; the position shown is the placement nearest the transcript's 3' end. VCF-style (leftmost placement, unchanged base first): chr2-219420099-CAGG-C. GRCh37 (hg19) VCF-style: chr2-220284821-CAGG-C.
Other names: c.586GAG[1], p.Glu197del (NM_001382708.1, NM_001382709.1, NM_001382710.1 and 2 more transcripts); c.496-420_496-418del (NM_001382713.1); short protein forms E197del.
Identifiers: ClinVar variation 1482395 (VCV001482395.8), dbSNP rs1954405702, ClinGen allele CA1329210633.

ClinVar aggregate classification (germline): Uncertain significance (1 of 4 stars; one submission).

Conditions:
Desmin-related myofibrillar myopathy (MFM1). Also called: MYOFIBRILLAR MYOPATHY WITH ARRHYTHMOGENIC RIGHT VENTRICULAR CARDIOMYOPATHY; DESMIN-RELATED MYOPATHY WITH ARRHYTHMOGENIC RIGHT VENTRICULAR CARDIOMYOPATHY; Desminopathy; Desmin related myopathy (former name); Desmin storage myopathy (former name); Myofibrillar myopathy 1. Identifiers: Orphanet 363543, Orphanet 98909, MedGen C1832370, MONDO:0011076, OMIM 601419.

Submission:

Labcorp Genetics (formerly Invitae), Labcorp
Classification: Uncertain significance for Desmin-related myofibrillar myopathy. Last evaluated: 2020-11-10. Review status: criteria provided, single submitter. Criteria: Invitae Variant Classification Sherloc (09022015). Collection method: clinical testing. Allele origin: germline.
Comment: This variant, c.589_591del, results in the deletion of 1 amino acid(s) of the DES protein (p.Glu197del), but otherwise preserves the integrity of the reading frame. This variant is not present in population databases (ExAC no frequency). This variant has been observed in individual(s) with clinical features of myofibrillar myopathy (Invitae). Experimental studies and prediction algorithms are not available or were not evaluated, and the functional significance of this variant is currently unknown. In summary, the available evidence is currently insufficient to determine the role of this variant in disease. Therefore, it has been classified as a Variant of Uncertain Significance.